The following is an entry in ClinVar:

NM_001127464.1:c.8572G>A

Gene: ZNF469 (zinc finger protein 469; plus strand).
Variant type: single nucleotide variant.
Identifiers: ClinVar variation 4826331 (VCV004826331.1).

ClinVar aggregate classification (germline): Uncertain significance (1 of 4 stars; one submission).

Conditions:
Cardiovascular phenotype. Identifiers: MedGen CN230736.

Submission:

Ambry Genetics
Classification: Uncertain significance for Cardiovascular phenotype. Last evaluated: 2026-03-11. Review status: criteria provided, single submitter. Criteria: Ambry Variant Classification Scheme 2023. Collection method: clinical testing. Allele origin: germline.
Comment: The p.V2858M variant (also known as c.8572G>A), located in coding exon 2 of the ZNF469 gene, results from a G to A substitution at nucleotide position 8572. The valine at codon 2858 is replaced by methionine, an amino acid with highly similar properties. This amino acid position is conserved. In addition, this alteration is predicted to be tolerated by in silico analysis. Based on the available evidence, the clinical significance of this variant remains unclear.